The following is an entry in ClinVar:

ClinVar aggregate classification (germline): Uncertain significance. Review status: criteria provided, multiple submitters, no conflicts (2 of 4 stars). 2 submissions from 2 submitters: Uncertain significance (2). Last evaluated 2025-10-22.

Conditions:
Inborn genetic diseases. Identifiers: MedGen C0950123, MeSH D030342.

Allele frequency attached by ClinVar (database versions not stated): ExAC 0.00001; gnomAD 0.00001 and 0.00002; TOPMed 0.00001; gnomAD exomes 0.00002 and 0.00003.

Submissions (2):

Labcorp Genetics (formerly Invitae), Labcorp
Classification: Uncertain significance. Last evaluated: 2025-10-22. Review status: criteria provided, single submitter. Criteria: Invitae Variant Classification Sherloc (09022015). Collection method: clinical testing. Allele origin: germline.
Comment: This sequence change replaces glycine, which is neutral and non-polar, with serine, which is neutral and polar, at codon 398 of the P4HB protein (p.Gly398Ser). This variant is present in population databases (rs747728144, gnomAD 0.02%). This variant has not been reported in the literature in individuals affected with P4HB-related conditions. ClinVar contains an entry for this variant (Variation ID: 1367253). Invitae Evidence Modeling of protein sequence and biophysical properties (such as structural, functional, and spatial information, amino acid conservation, physicochemical variation, residue mobility, and thermodynamic stability) indicates that this missense variant is not expected to disrupt P4HB protein function with a negative predictive value of 80%. In summary, the available evidence is currently insufficient to determine the role of this variant in disease. Therefore, it has been classified as a Variant of Uncertain Significance.

Ambry Genetics
Classification: Uncertain significance for Inborn genetic diseases. Last evaluated: 2025-04-09. Review status: criteria provided, single submitter. Criteria: Ambry Variant Classification Scheme 2023. Collection method: clinical testing. Allele origin: germline.

NM_000918.4(P4HB):c.1192G>A (p.Gly398Ser)

Gene: P4HB (prolyl 4-hydroxylase subunit beta; minus strand). Cytogenetic location: 17q25.3.
Variant type: single nucleotide variant.
Coding change: c.1192G>A on transcript NM_000918.4 (MANE Select); coding-DNA position 1192, G replaced by A.
Protein change: p.Gly398Ser; replaces glycine 398 with serine.
Molecular consequence: missense variant.
Genome position (GRCh38, 1-based): chr17:81,845,728, C>T on the plus strand (G>A on the coding strand, the complement: P4HB is on the minus strand). VCF-style: chr17-81845728-C-T. GRCh37 (hg19) VCF-style: chr17-79803604-C-T.
Other names: c.1192G>A (NM_000918.3); short protein forms G398S.
Identifiers: ClinVar variation 1367253 (VCV001367253.6), dbSNP rs747728144, ClinGen allele CA8842681.
Genomic context (GRCh38, chr17:81,845,728, plus strand): 5'-CATGGTCCTTGTACGTCTCTCCCAGTTTATCCCAAATGGGAGCCAACTGTTTGCAGTGAC[C>T]ACACCATGGGGCATCTGAAAAGAAAGCAGTTCTAGGGTGTGTCCTGGACACAAAGCCACT-3'
Protein context (NP_000909.2, residues 388-408): VFVEFYAPWC[Gly398Ser]HCKQLAPIWD